The following is an entry in ClinVar:

NM_014795.4(ZEB2):c.1349_1350del (p.Phe450fs)

Gene: ZEB2 (zinc finger E-box binding homeobox 2; minus strand). Cytogenetic location: 2q22.3.
Variant type: Deletion.
Coding change: c.1349_1350del on transcript NM_014795.4 (MANE Select); coding-DNA positions 1349 to 1350, 2 bases deleted (TT; older notation c.1349_1350delTT).
Protein change: p.Phe450fs; shifts the reading frame from phenylalanine 450.
Molecular consequence: frameshift variant.
Genome position (GRCh38, 1-based): chr2:144,399,837-144,399,838, AA deleted on the plus strand (TT on the coding strand, the reverse complement: ZEB2 is on the minus strand); deleting any 2 consecutive bases within chr2:144,399,837-144,399,839 gives the same sequence; the c. name uses the placement nearest the transcript's 3' end. VCF-style (leftmost placement, unchanged base first): chr2-144399836-GAA-G. GRCh37 (hg19) VCF-style: chr2-145157403-GAA-G.
Other names: c.1277_1278del, p.Phe426fs (NM_001171653.2); short protein forms F426fs, F450fs.
Identifiers: ClinVar variation 2129597 (VCV002129597.4), dbSNP rs2549106910, ClinGen allele CA2580063871.

ClinVar aggregate classification (germline): Pathogenic (1 of 4 stars; one submission).

Conditions:
Mowat-Wilson syndrome (MOWS). Also called: Classic Mowat-Wilson Syndrome. Identifiers: Orphanet 2152, MedGen C1856113, MONDO:0009341, OMIM 235730.

Submission:

Labcorp Genetics (formerly Invitae), Labcorp
Classification: Pathogenic for Mowat-Wilson syndrome. Last evaluated: 2022-04-23. Review status: criteria provided, single submitter. Criteria: Invitae Variant Classification Sherloc (09022015). Collection method: clinical testing. Allele origin: germline.
Comment: For these reasons, this variant has been classified as Pathogenic. This variant has not been reported in the literature in individuals affected with ZEB2-related conditions. This variant is not present in population databases (gnomAD no frequency). This sequence change creates a premature translational stop signal (p.Phe450Serfs*5) in the ZEB2 gene. It is expected to result in an absent or disrupted protein product. Loss-of-function variants in ZEB2 are known to be pathogenic (PMID: 16053902).

Literature cited by the submitters: PubMed 16053902.